The following is an entry in ClinVar:

ClinVar aggregate classification (germline): Uncertain significance. Review status: criteria provided, multiple submitters, no conflicts (2 of 4 stars). 2 submissions from 2 submitters: Uncertain significance (2). Last evaluated 2025-10-14.

Conditions:
Hereditary cancer-predisposing syndrome. Also called: Neoplastic Syndromes, Hereditary; Tumor predisposition; Hereditary Cancer Syndrome; Hereditary neoplastic syndrome. Identifiers: Orphanet 140162, MedGen C0027672, MeSH D009386, MONDO:0015356.
Neuroblastoma, susceptibility to, 3. Also called: ALK-Related Neuroblastic Tumor Susceptibility. Identifiers: Orphanet 635, MedGen C2751681, MONDO:0013083, OMIM 613014.

Submissions (2):

Ambry Genetics
Classification: Uncertain significance for Hereditary cancer-predisposing syndrome. Last evaluated: 2025-10-14. Review status: criteria provided, single submitter. Criteria: Ambry Variant Classification Scheme 2023. Collection method: clinical testing. Allele origin: germline.
Comment: The c.1546+4C>T intronic variant results from a C to T substitution 4 nucleotides after coding exon 7 in the ALK gene. This nucleotide position is highly conserved in available vertebrate species. In silico splice site analysis predicts that this alteration will not have any significant effect on splicing. Based on the available evidence, the clinical significance of this variant remains unclear.

Labcorp Genetics (formerly Invitae), Labcorp
Classification: Uncertain significance for Neuroblastoma, susceptibility to, 3. Last evaluated: 2021-09-01. Review status: criteria provided, single submitter. Criteria: Invitae Variant Classification Sherloc (09022015). Collection method: clinical testing. Allele origin: germline.
Comment: This sequence change falls in intron 7 of the ALK gene. It does not directly change the encoded amino acid sequence of the ALK protein. It affects a nucleotide within the consensus splice site of the intron. This variant is not present in population databases (ExAC no frequency). This variant has not been reported in the literature in individuals affected with ALK-related conditions. ClinVar contains an entry for this variant (Variation ID: 538299). Variants that disrupt the consensus splice site are a relatively common cause of aberrant splicing (PMID: 17576681, 9536098). Algorithms developed to predict the effect of sequence changes on RNA splicing suggest that this variant is not likely to affect RNA splicing. In summary, the available evidence is currently insufficient to determine the role of this variant in disease. Therefore, it has been classified as a Variant of Uncertain Significance.

Literature cited by the submitters: PubMed 17576681 (cited by Labcorp Genetics (formerly Invitae), Labcorp); PubMed 9536098 (cited by Labcorp Genetics (formerly Invitae), Labcorp).

NM_004304.5(ALK):c.1546+4C>T

Gene: ALK (ALK receptor tyrosine kinase; minus strand). Cytogenetic location: 2p23.2.
Variant type: single nucleotide variant.
Coding change: c.1546+4C>T on transcript NM_004304.5 (MANE Select); 4 bases into the intron after coding-DNA position 1546, C replaced by T.
Molecular consequence: intron variant.
Genome position (GRCh38, 1-based): chr2:29,320,747, G>A on the plus strand (C>T on the coding strand, the complement: ALK is on the minus strand). VCF-style: chr2-29320747-G-A. GRCh37 (hg19) VCF-style: chr2-29543613-G-A.
Identifiers: ClinVar variation 538299 (VCV000538299.7), dbSNP rs1553409762, ClinGen allele CA658795694.
Genomic context (GRCh38, chr2:29,320,747, plus strand): 5'-TCTCCCATCTGTCTATGTGGGCATGAAGATGGGCACCAGAGAGAAGGCAGGAGAGCAGTA[G>A]TACCTTGGTGGTCCTGGAACCGGGCATCCTTTAGGGTCCTGACCTGCCATTGAGGAGTGT-3'